The following is an entry in ClinVar:

ClinVar aggregate classification (germline): Likely benign. Review status: criteria provided, multiple submitters, no conflicts (2 of 4 stars). 2 submissions from 2 submitters: Likely benign (2). Last evaluated 2025-03-12.

Conditions:
Microcephaly, normal intelligence and immunodeficiency (NBS). Also called: BERLIN BREAKAGE SYNDROME; Immunodeficiency, microcephaly with normal intelligence; Nijmegen breakage syndrome; Microcephaly with normal intelligence immunodeficiency and lymphoreticular malignancies; Nonsyndromal microcephaly autosomal recessive with normal intelligence; Seemanova syndrome 2. Identifiers: Orphanet 647, MedGen C0398791, MONDO:0009623, OMIM 251260.

Allele frequency attached by ClinVar (database versions not stated): gnomAD exomes below 0.00001; TOPMed below 0.00001; gnomAD 0.00001.
gnomAD v4.1: 3 of 1,603,382 alleles (0.00019%); highest among the groups gnomAD compares: Admixed American, 0.0033%; no homozygotes.

Submissions (2):

Labcorp Genetics (formerly Invitae), Labcorp
Classification: Likely benign for Microcephaly, normal intelligence and immunodeficiency. Last evaluated: 2025-03-12. Review status: criteria provided, single submitter. Criteria: Invitae Variant Classification Sherloc (09022015). Collection method: clinical testing. Allele origin: germline.

GeneDx
Classification: Likely benign. Last evaluated: 2017-10-16. Review status: criteria provided, single submitter. Criteria: GeneDx Variant Classification (06012015). Collection method: clinical testing. Allele origin: germline. Affected: yes.
Comment: This variant is considered likely benign or benign based on one or more of the following criteria: it is a conservative change, it occurs at a poorly conserved position in the protein, it is predicted to be benign by multiple in silico algorithms, and/or has population frequency not consistent with disease.

NM_002485.5(NBN):c.2235-19C>T

Gene: NBN (nibrin; minus strand). Cytogenetic location: 8q21.3.
Variant type: single nucleotide variant.
Coding change: c.2235-19C>T on transcript NM_002485.5 (MANE Select); 19 bases into the intron before coding-DNA position 2235, C replaced by T.
Molecular consequence: intron variant.
Genome position (GRCh38, 1-based): chr8:89,935,631, G>A on the plus strand (C>T on the coding strand, the complement: NBN is on the minus strand). VCF-style: chr8-89935631-G-A. GRCh37 (hg19) VCF-style: chr8-90947859-G-A.
Other names: c.1989-19C>T (NM_001024688.3).
Identifiers: ClinVar variation 392290 (VCV000392290.8), dbSNP rs1057524430, ClinGen allele CA16605505.